The following is an entry in ClinVar:

ClinVar aggregate classification (germline): Conflicting classifications of pathogenicity. Review status: criteria provided, conflicting classifications (1 of 4 stars). 2 submissions from 2 submitters: Uncertain significance (1); Likely benign (1). Last evaluated 2021-10-12.

Conditions:
Hereditary nonpolyposis colorectal neoplasms. Identifiers: MedGen C0009405, MeSH D003123.
Hereditary cancer-predisposing syndrome. Also called: Tumor predisposition; Neoplastic Syndromes, Hereditary; Hereditary Cancer Syndrome; Hereditary neoplastic syndrome. Identifiers: Orphanet 140162, MedGen C0027672, MeSH D009386, MONDO:0015356.

Submissions (2):

Labcorp Genetics (formerly Invitae), Labcorp
Classification: Uncertain significance for Hereditary nonpolyposis colorectal neoplasms. Last evaluated: 2021-10-12. Review status: criteria provided, single submitter. Criteria: Invitae Variant Classification Sherloc (09022015). Collection method: clinical testing. Allele origin: germline.
Comment: This sequence change affects codon 75 of the MSH6 mRNA. It is a 'silent' change, meaning that it does not change the encoded amino acid sequence of the MSH6 protein. In summary, the available evidence is currently insufficient to determine the role of this variant in disease. Therefore, it has been classified as a Variant of Uncertain Significance. Algorithms developed to predict the effect of sequence changes on RNA splicing suggest that this variant may create or strengthen a splice site. This variant has not been reported in the literature in individuals affected with MSH6-related conditions. The frequency data for this variant in the population databases is considered unreliable, as metrics indicate insufficient coverage at this position in the ExAC database.

Ambry Genetics
Classification: Likely benign for Hereditary cancer-predisposing syndrome. Last evaluated: 2021-08-13. Review status: criteria provided, single submitter. Criteria: Ambry Variant Classification Scheme 2023. Collection method: clinical testing. Allele origin: germline.

NM_000179.3(MSH6):c.225G>T (p.Gly75=)

Gene: MSH6 (mutS homolog 6; plus strand). Cytogenetic location: 2p16.3.
Variant type: single nucleotide variant.
Coding change: c.225G>T on transcript NM_000179.3 (MANE Select); coding-DNA position 225, G replaced by T.
Protein change: p.Gly75=; no amino-acid change (glycine 75 retained).
Molecular consequence: synonymous variant. On other transcripts: 5 prime UTR variant (1).
Genome position (GRCh38, 1-based): chr2:47,783,458, G>T. VCF-style: chr2-47783458-G-T. GRCh37 (hg19) VCF-style: chr2-48010597-G-T.
Other names: c.225G>T, p.Gly75= (NM_001281492.2); c.-512G>T (NM_001281493.2).
Identifiers: ClinVar variation 1381834 (VCV001381834.8), dbSNP rs786202321, ClinGen allele CA426120836.